The following is an entry in ClinVar:

NM_001354640.2(CIROP):c.1288G>C (p.Glu430Gln)

Gene: CIROP (ciliated left-right organizer metallopeptidase; minus strand). Cytogenetic location: 14q11.2.
Variant type: single nucleotide variant.
Coding change: c.1288G>C on transcript NM_001354640.2 (MANE Select); coding-DNA position 1288, G replaced by C.
Protein change: p.Glu430Gln; replaces glutamic acid 430 with glutamine.
Molecular consequence: missense variant.
Genome position (GRCh38, 1-based): chr14:23,102,113, C>G on the plus strand (G>C on the coding strand, the complement: CIROP is on the minus strand). VCF-style: chr14-23102113-C-G. GRCh37 (hg19) VCF-style: chr14-23571322-C-G.
Other names: c.1123G>C, p.Glu375Gln (NM_001402427.1); short protein forms E430Q, E375Q.
Identifiers: ClinVar variation 5005300 (VCV005005300.2).
Genomic context (GRCh38, chr14:23,102,113, plus strand): 5'-GTCATGAGTGCCTCTCTGCAGGTCTCCCTTATTCCTCACCCTGGCCCCACAACAGCTCCT[C>G]TGCAGCGCTGTGGTTGACCTGGTACCAGCCTGAGTCTTTGAAGGCAGCGAGGGTGATTGG-3'
Protein context (NP_001341569.1, residues 420-440): GWYQVNHSAA[Glu430Gln]ELLWGQGSGP

ClinVar aggregate classification (germline): Uncertain significance (1 of 4 stars; one submission).

Conditions:
Heterotaxy, visceral, 12, autosomal (HTX12). Identifiers: MedGen C5676898, MONDO:0859222, OMIM 619702.

gnomAD v4.1: 6 of 702,956 alleles (0.00085%); highest among the groups gnomAD compares: East Asian, 0.011%; no homozygotes.

Submission:

Juno Genomics, Hangzhou Juno Genomics, Inc
Classification: Uncertain significance for Heterotaxy, visceral, 12, autosomal. Review status: criteria provided, single submitter. Criteria: ACMG Guidelines, 2015. Collection method: clinical testing. Allele origin: germline.
Comment: Absent from controls (or at extremely low frequency if recessive) in Genome Aggregation Database.